The following is an entry in ClinVar:

NM_000533.5(PLP1):c.354_355del (p.Gly120fs)

Genes: PLP1 (proteolipid protein 1; plus strand), RAB9B (RAB9B, member RAS oncogene family; minus strand). Cytogenetic location: Xq22.2.
Variant type: Deletion.
Coding change: c.354_355del on transcript NM_000533.5 (MANE Select); coding-DNA positions 354 to 355, 2 bases deleted (AG; older notation c.354_355delAG).
Protein change: p.Gly120fs; shifts the reading frame from glycine 120.
Molecular consequence: frameshift variant. On other transcripts: intron variant (1).
Genome position (GRCh38, 1-based): chrX:103,786,627-103,786,628, AG deleted. VCF-style (leftmost placement, unchanged base first): chrX-103786626-CAG-C. GRCh37 (hg19) VCF-style: chrX-103041555-CAG-C.
Other names: c.354_355del, p.Gly120fs (NM_001128834.3); c.189_190del, p.Gly65fs (NM_001305004.1); c.348+6_348+7del (NM_199478.3); c.354_355delAG (NM_000533.5); short protein forms G65fs, G120fs.
Identifiers: ClinVar variation 520586 (VCV000520586.12), dbSNP rs1556267123, ClinGen allele CA658799831.

ClinVar aggregate classification (germline): Pathogenic/Likely pathogenic. Review status: criteria provided, multiple submitters, no conflicts (2 of 4 stars). 5 submissions from 5 submitters: Pathogenic (4); Likely pathogenic (1). Last evaluated 2023-01-06.

Conditions:
Inborn genetic diseases. Identifiers: MedGen C0950123, MeSH D030342.
Hereditary spastic paraplegia 2 (SPG2). Also called: Spastic Paraplegia 2 (SPG2); SPASTIC PARAPLEGIA 2, X-LINKED. Identifiers: Orphanet 99015, MedGen C0751604, MONDO:0010733, OMIM 312920.
Pelizaeus-Merzbacher disease. Also called: Sudanophilic leukodystrophy; Pelizaeus-Merzbacher spectrum disorder; Pelizaeus-Merzbacher Disease (PMD); LEUKODYSTROPHY, HYPOMYELINATING, 1; Pelizeaus-Merzbacher spectrum disorder. Identifiers: Orphanet 702, MedGen C0205711, MONDO:0010714, OMIM 312080, HP:0003269.

Submissions (5):

GeneDx
Classification: Pathogenic. Last evaluated: 2023-01-06. Review status: criteria provided, single submitter. Criteria: GeneDx Variant Classification Process June 2021. Collection method: clinical testing. Allele origin: germline. Affected: yes.
Comment: Frameshift variant predicted to result in protein truncation or nonsense mediated decay in a gene for which loss of function is a known mechanism of disease; Not observed at significant frequency in large population cohorts (gnomAD); This variant is associated with the following publications: (PMID: 33450882, 20022439, 26795593)

Labcorp Genetics (formerly Invitae), Labcorp
Classification: Pathogenic for Hereditary spastic paraplegia 2. Last evaluated: 2022-10-21. Review status: criteria provided, single submitter. Criteria: Invitae Variant Classification Sherloc (09022015). Collection method: clinical testing. Allele origin: germline.
Comment: ClinVar contains an entry for this variant (Variation ID: 520586). This sequence change creates a premature translational stop signal (p.Gly120Profs*83) in the PLP1 gene. It is expected to result in an absent or disrupted protein product. Loss-of-function variants in PLP1 are known to be pathogenic (PMID: 18470932). This variant is not present in population databases (gnomAD no frequency). This premature translational stop signal has been observed in individual(s) with PLP1-related conditions (PMID: 20022439, 26795593). This variant is also known as c.352_353delAG (p.Gly130fs). For these reasons, this variant has been classified as Pathogenic.

Molecular Diagnostics Lab, Nemours Children's Health, Delaware
Classification: Likely pathogenic for Pelizaeus-Merzbacher disease. Last evaluated: 2021-11-15. Review status: criteria provided, single submitter. Criteria: ACMG Guidelines, 2015. Collection method: clinical testing. Allele origin: maternal, unknown. Inheritance: X-linked inheritance. Affected: yes and no. Observed: 1 heterozygote, 1 hemizygote.
Comment: This variant (c.354_355delAG, p.Gly120Profs*83) results in a frameshift to a premature termination. It has not been observed in population databases (gnomAD), but it has been described in the literature (PMID 20022439, PMID 33450882). No functional studies have been published.

Baylor Genetics
Classification: Pathogenic for Pelizaeus-Merzbacher disease. Last evaluated: 2021-01-25. Review status: criteria provided, single submitter. Criteria: ACMG Guidelines, 2015. Collection method: clinical testing. Allele origin: unknown.

Ambry Genetics
Classification: Pathogenic for Inborn genetic diseases. Last evaluated: 2014-11-03. Review status: criteria provided, single submitter. Criteria: Ambry Variant Classification Scheme 2023. Collection method: clinical testing. Allele origin: germline.
Comment: The c.354_355del () alteration, located in exon 3 (coding exon 3) of the PLP1 gene, consists of a deletion of 2 nucleotides from position 354 to 355, causing a translational frameshift with a predicted alternate stop codon after amino acids. Frameshift alterations are typically deleterious in nature (Richards, 2015). Functional analysis reveals a damaging effect of the amino acid alteration: _x000D_ PLP1 alterations affecting exon 3B cause the mildest form of PMD (form 4). Exon 3B is spliced out during messenger RNA production of DM20 and therefore the expression and function of that isoform protein are preserved. The mutant PLP1 protein is much shorter than the wild type and is expected to be degraded via nonsense-mediated decay. The combination of preserved DM20 and lack of mutant PLP1 proteins is what is predicted to result in the mild phenotype ()Osaka, 2010). Based on the available evidence, this alteration is classified as pathogenic.

Literature cited by the submitters: PubMed 18470932 (cited by Labcorp Genetics (formerly Invitae), Labcorp); PubMed 20022439 (cited by Labcorp Genetics (formerly Invitae), Labcorp and Molecular Diagnostics Lab, Nemours Children's Health, Delaware); PubMed 26795593 (cited by Labcorp Genetics (formerly Invitae), Labcorp); PubMed 33450882 (cited by Molecular Diagnostics Lab, Nemours Children's Health, Delaware).